The following continues an entry in ClinVar:

NM_000059.4(BRCA2):c.6058G>A (p.Glu2020Lys)

Gene: BRCA2. ClinVar aggregate classification (germline): Conflicting classifications of pathogenicity. Uncertain significance (4); Likely benign (6).

Submissions 10 to 16 of 16:

Women's Health and Genetics/Laboratory Corporation of America, LabCorp
Classification: Uncertain significance. Last evaluated: 2019-11-01. Review status: criteria provided, single submitter. Criteria: LabCorp Variant Classification Summary - May 2015. Collection method: clinical testing. Allele origin: germline.
Comment: Variant summary: BRCA2 c.6058G>A (p.Glu2020Lys) results in a conservative amino acid change in the encoded protein sequence. Four of five in-silico tools predict a benign effect of the variant on protein function. The variant was absent in 250910 control chromosomes (gnomAD). The available data on variant occurrences in the general population are insufficient to allow any conclusion about variant significance. c.6058G>A has been reported in the literature in individuals with a personal or family history of breast/ovarian cancer (Hartmann_2001, Lu_2012, Singh_2018), however, with limited information (i.e. lack of co-occurrence and cosegregation data). These reports therefore do not provide unequivocal conclusions about association of the variant with Hereditary Breast and Ovarian Cancer. A co-occurrence with a pathogenic variant has been reported (BRCA1 c.4206_4207delTA, p.His1402GlnfsX11; UMD), providing supporting evidence for a benign role. To our knowledge, no experimental evidence demonstrating an impact on protein function has been reported. Six other clinical diagnostic laboratories have submitted clinical-significance assessments for this variant to ClinVar after 2014 without evidence for independent evaluation, and all of them classified the variant as uncertain significance. Based on the evidence outlined above, the variant was classified as uncertain significance.

Counsyl
Classification: Uncertain significance for Breast-ovarian cancer, familial, susceptibility to, 2. Last evaluated: 2015-12-04. Review status: no assertion criteria provided. Collection method: clinical testing. Allele origin: unknown. Not counted in ClinVar's aggregate classification.

Sharing Clinical Reports Project (SCRP)
Classification: Uncertain significance for Breast-ovarian cancer, familial 2. Last evaluated: 2009-08-28. Review status: no assertion criteria provided. Collection method: clinical testing. Allele origin: germline. Not counted in ClinVar's aggregate classification.

Breast Cancer Information Core (BIC) (BRCA2)
Classification: Uncertain significance for Breast-ovarian cancer, familial 2. Last evaluated: 2000-06-12. Review status: no assertion criteria provided. Collection method: clinical testing. Allele origin: germline. Affected: yes. Observed: 2 variant alleles. Not counted in ClinVar's aggregate classification.

Clinical Genetics DNA and cytogenetics Diagnostics Lab, Erasmus MC, Erasmus Medical Center
Classification: Likely benign. Review status: no assertion criteria provided. Collection method: clinical testing. Allele origin: germline. Affected: yes. Study: VKGL Data-share Consensus. Not counted in ClinVar's aggregate classification.

Department of Pathology and Laboratory Medicine, Sinai Health System
Classification: Uncertain significance for Malignant tumor of breast. Review status: no assertion criteria provided. Collection method: clinical testing. Allele origin: unknown. Affected: yes. Observed: 1 variant allele. Study: The Canadian Open Genetics Repository (COGR). Not counted in ClinVar's aggregate classification.
Comment: The BRCA2 p.Glu2020Lys variant was identified in 1 of 352 proband chromosomes (frequency: 0.003) from individuals or families with breast cancer (Hartmann 2001). The variant was also identified in dbSNP (ID: rs80358842) â€šÃ„ÃºWith uncertain significance, untested alleleâ€šÃ„Ã¹, Exome Aggregation Consortium (ExAC) database, COSMIC, the ClinVar database (classified as an uncertain significance variant by the Sharing Clinical Reports Project, derived from Myriad reports; BIC, Ambry Genetics and GeneDx), the BIC database (2X with unknown clinical importance), and UMD (4X as an unclassified variant). In UMD the variant was identified with a co-occurring pathogenic BRCA1 variant (c.4206_4207delTA (p.His1402GlnfsX11)), increasing the likelihood that the p.Glu2020Lys variant does not have clinical significance. This variant was identified in the Exome Aggregation Consortium (ExAC) database (released Oct 20th, 2014) in 1 of 66330 chromosomes (1 individual) from a population of European (Non-Finnish) individuals, although this low number of observations and low frequency is not substantive enough to determine the prevalence of the variant in the general population and its relationship to disease.The p.Glu2020 residue is conserved in mammals and computational analyses (PolyPhen-2, SIFT, AlignGVGD, BLOSUM, MutationTaster) do not suggest a high likelihood of impact to the protein. However, this information is not predictive enough to rule out pathogenicity. The variant occurs outside of the splicing consensus sequence and in silico computational prediction software programs (SpliceSiteFinder, MaxEntScan, NNSPLICE, GeneSplicer, HumanSpliceFinder) do not predict a difference in splicing. In summary, based on the above information, the clinical significance of this variant cannot be determined with certainty at this time. This variant is classified as a variant of unknown significance.

Joint Genome Diagnostic Labs from Nijmegen and Maastricht, Radboudumc and MUMC+
Classification: Likely benign. Review status: no assertion criteria provided. Collection method: clinical testing. Allele origin: germline. Affected: yes. Study: VKGL Data-share Consensus. Not counted in ClinVar's aggregate classification.

Literature cited by the submitters: PubMed 33471991 (cited by 3 submitters); PubMed 11698567 (cited by 4 submitters); PubMed 22476429 (cited by 5 submitters); PubMed 26689913 (cited by Quest Diagnostics Nichols Institute San Juan Capistrano and Women's Health and Genetics/Laboratory Corporation of America, LabCorp); PubMed 29470806 (cited by 4 submitters); PubMed 32444794 (cited by 3 submitters); PubMed 31911673 (cited by Quest Diagnostics Nichols Institute San Juan Capistrano); PubMed 37306523 (cited by Quest Diagnostics Nichols Institute San Juan Capistrano); PubMed 31131967 (cited by All of Us Research Program, National Institutes of Health and Ambry Genetics); PubMed 31214711 (cited by All of Us Research Program, National Institutes of Health); PubMed 24817641 (cited by Women's Health and Genetics/Laboratory Corporation of America, LabCorp and Counsyl); PubMed 25348012 (cited by Counsyl).